The following is an entry in ClinVar:

ClinVar aggregate classification (germline): Uncertain significance (1 of 4 stars; one submission).

Allele frequency attached by ClinVar (database versions not stated): gnomAD 0.00001.
gnomAD v4.1: 1 of 1,613,830 alleles (0.000062%); highest among the groups gnomAD compares: Non-Finnish European, 0.000085%; no homozygotes.

Submission:

Labcorp Genetics (formerly Invitae), Labcorp
Classification: Uncertain significance. Last evaluated: 2022-08-22. Review status: criteria provided, single submitter. Criteria: Invitae Variant Classification Sherloc (09022015). Collection method: clinical testing. Allele origin: germline.
Comment: This variant has not been reported in the literature in individuals affected with ASXL1-related conditions. This variant is present in population databases (no rsID available, gnomAD 0.007%). This sequence change replaces glycine, which is neutral and non-polar, with cysteine, which is neutral and slightly polar, at codon 607 of the ASXL1 protein (p.Gly607Cys). Algorithms developed to predict the effect of missense changes on protein structure and function are either unavailable or do not agree on the potential impact of this missense change (SIFT: "Tolerated"; PolyPhen-2: "Possibly Damaging"; Align-GVGD: "Class C0"). In summary, the available evidence is currently insufficient to determine the role of this variant in disease. Therefore, it has been classified as a Variant of Uncertain Significance.

NM_015338.6(ASXL1):c.1819G>T (p.Gly607Cys)

Gene: ASXL1 (ASXL transcriptional regulator 1; plus strand). Cytogenetic location: 20q11.21.
Variant type: single nucleotide variant.
Coding change: c.1819G>T on transcript NM_015338.6 (MANE Select); coding-DNA position 1819, G replaced by T.
Protein change: p.Gly607Cys; replaces glycine 607 with cysteine.
Molecular consequence: missense variant.
Genome position (GRCh38, 1-based): chr20:32,434,531, G>T. VCF-style: chr20-32434531-G-T. GRCh37 (hg19) VCF-style: chr20-31022334-G-T.
Other names: c.1636G>T, p.Gly546Cys (NM_001363734.1); short protein forms G607C, G546C.
Identifiers: ClinVar variation 2126472 (VCV002126472.4), dbSNP rs1369413951, ClinGen allele CA408557986.
Genomic context (GRCh38, chr20:32,434,531, plus strand): 5'-GGTCAGCCCACTTACCAGATATGCCCCCGGATCATCCCCACCACGGAGTCCTCCTGCCGG[G>T]GTTGGACTGGCGCCAGGACCCTCGCAGACATTAAAGCCCGTGCTCTGCAGGTCCGAGGGG-3'
Protein context (NP_056153.2, residues 597-617): IIPTTESSCR[Gly607Cys]WTGARTLADI